The following is an entry in ClinVar:

NM_004333.6(BRAF):c.83GCGCCG[1] (p.28GA[1])

Gene: BRAF (B-Raf proto-oncogene, serine/threonine kinase; minus strand). Cytogenetic location: 7q34.
Variant type: Microsatellite.
Coding change: c.83GCGCCG[1] on transcript NM_004333.6 (MANE Select); one copy of the 6-base unit GCGCCG starting at c.83; the reference has three copies in a row; two copies, 12 bases deleted; also written c.89_100del.
Protein change: p.28GA[1].
Molecular consequence: inframe deletion.
Genome position (GRCh38, 1-based): chr7:140,924,604-140,924,615, CGGCGCCGGCGC deleted on the plus strand (GCGCCGGCGCCG on the coding strand, the reverse complement: BRAF is on the minus strand); deleting any 12 consecutive bases within chr7:140,924,604-140,924,625 gives the same sequence; the position shown is the placement nearest the transcript's 3' end. VCF-style (leftmost placement, unchanged base first): chr7-140924603-GCGGCGCCGGCGC-G. GRCh37 (hg19) VCF-style: chr7-140624403-GCGGCGCCGGCGC-G.
Other names: c.89_100delGCGCCGGCGCCG (NM_004333.6); c.83GCGCCG[1], p.28GA[1] (NM_001354609.2, NM_001374244.1, NM_001374258.1 and 7 more transcripts); c.89_100del (NM_004333.6).
Identifiers: ClinVar variation 40222 (VCV000040222.12), dbSNP rs397507458, ClinGen allele CA281930.

ClinVar aggregate classification (germline): Conflicting classifications of pathogenicity. Review status: criteria provided, conflicting classifications (1 of 4 stars). 7 submissions from 6 submitters: Uncertain significance (4); Likely benign (2). 1 of the submissions does not count toward it. Last evaluated 2026-10-01.

Conditions:
BRAF-related disorder. Also called: BRAF-related condition.
RASopathy. Also called: rasopathies; Noonan spectrum disorder. Identifiers: Orphanet 536391, MedGen C5555857, MONDO:0021060.
Noonan syndrome (NS). Also called: Noonan's syndrome. Identifiers: Orphanet 648, MedGen C0028326, MeSH D009634, MONDO:0018997. Disease mechanism: gain of function.
Noonan syndrome 7 (NS7). Also called: BRAF-Related Noonan Syndrome. Identifiers: Orphanet 648, MedGen C3150970, MONDO:0013379, OMIM 613706.

Submissions (7):

St. Jude Molecular Pathology, St. Jude Children's Research Hospital
Classification: Uncertain significance for Noonan syndrome 7. Last evaluated: 2026-10-01. Review status: criteria provided, single submitter. Criteria: St. Jude Assertion Criteria 2020. Collection method: clinical testing. Allele origin: germline.
Comment: The BRAF c .89_100del p.(Gly30_Ala33del) change deletes twelve nucleotides at position 89-100 resulting in an in-frame deletion of four amino acids at codons 30-33. This variant has a maximum subpopulation frequency of 0.049% in gnomAD v2.1.1. This variant has been reported in a cohort of individuals tested for Noonan syndrome (PMID: 29907801). In summary, the evidence currently available is insufficient to determine the clinical significance of this variant. It has therefore b een classified as of uncertain significance (VUS-Low).

Labcorp Genetics (formerly Invitae), Labcorp
Classification: Uncertain significance for RASopathy. Last evaluated: 2026-01-05. Review status: criteria provided, single submitter. Criteria: Invitae Variant Classification Sherloc (09022015). Collection method: clinical testing. Allele origin: germline.
Comment: This variant, c.89_100del, results in the deletion of 4 amino acid(s) of the BRAF protein (p.Gly30_Ala33del), but otherwise preserves the integrity of the reading frame. This variant is present in population databases (rs397507458, gnomAD 0.05%). This variant has been observed in individual(s) with clinical features of BRAF-related conditions (PMID: 29907801). Experimental studies and prediction algorithms are not available or were not evaluated, and the functional significance of this variant is currently unknown. In summary, the available evidence is currently insufficient to determine the role of this variant in disease. Therefore, it has been classified as a Variant of Uncertain Significance.

Blueprint Genetics
Classification: Likely benign. Last evaluated: 2024-06-04. Review status: criteria provided, single submitter. Criteria: ACMG Guidelines, 2015. Collection method: clinical testing. Allele origin: germline.

St. Jude Molecular Pathology, St. Jude Children's Research Hospital
Classification: Likely benign for Noonan syndrome. Last evaluated: 2020-09-22. Review status: criteria provided, single submitter. Criteria: St. Jude Assertion Criteria 2020. Collection method: clinical testing. Allele origin: germline.

Women's Health and Genetics/Laboratory Corporation of America, LabCorp
Classification: Uncertain significance. Last evaluated: 2017-03-20. Review status: criteria provided, single submitter. Criteria: LabCorp Variant Classification Summary - May 2015. Collection method: clinical testing. Allele origin: germline.
Comment: Variant summary: The BRAF c.89_100delGCGCCGGCGCCG (p.Gly30_Ala33del) variant causes an in-frame deletion. This variant is absent in 10494 control chromosomes (ExAC), but was present in 1/10568 chromosomes when filtered (non-PASS) variants were included. The variant of interest has not, to our knowledge, been reported in affected individuals via publications, nor evaluated for functional implications by in vivo/vitro studies. A clinical diagnostic laboratory classifies the variant as "uncertain significance." Therefore, the variant of interest has been classified as a "Variant of Uncertain Significance (VUS)," until additional information (ie, clinical and functional studies) become available.

GeneDx
Classification: Uncertain significance for Rasopathy. Last evaluated: 2014-01-29. Review status: criteria provided, single submitter. Criteria: GeneDx Variant Classification (06012015). Collection method: clinical testing. Allele origin: germline. Affected: yes.
Comment: c.89_100del12: p.Gly30_Ala33delGlyAlaGlyAla (G30_A33delGAGA) in exon 1 of the BRAF gene (NM_004333.4)The c.89_100del12 in-frame deletion in the BRAF gene has not been reported as a disease-causing mutation, nor is it known to be a benign polymorphism to our knowledge. This deletion occurs in a region of the protein that is not highly conserved in mammals and no disease-causing mutation has been reported before codon Threonine 241. Most disease-causing mutations result in a gain-of-function. It is uncertain if this deletion would result in a gain-of-function, loss-of-function, or have no impact on protein function at all. Therefore, this variant cannot be interpreted for diagnosis or used for genetic counseling without further studies. The variant is found in NOONAN panel(s).

PreventionGenetics, part of Exact Sciences
Classification: Likely benign for BRAF-related condition. Last evaluated: 2020-03-27. Review status: no assertion criteria provided. Collection method: clinical testing. Allele origin: germline. Not counted in ClinVar's aggregate classification.
Comment: This variant is classified as likely benign based on ACMG/AMP sequence variant interpretation guidelines (Richards et al. 2015 PMID: 25741868, with internal and published modifications).

Literature cited by the submitters: PubMed 29907801 (cited by Labcorp Genetics (formerly Invitae), Labcorp).